The following is an entry in ClinVar:

NM_003265.3(TLR3):c.2658_2661dup (p.Ala888fs)

Gene: TLR3 (toll like receptor 3; plus strand). Cytogenetic location: 4q35.1.
Variant type: Duplication.
Coding change: c.2658_2661dup on transcript NM_003265.3 (MANE Select); coding-DNA positions 2658 to 2661, 4 bases duplicated (AGGT; older notation c.2658_2661dupAGGT).
Protein change: p.Ala888fs; shifts the reading frame from alanine 888.
Molecular consequence: frameshift variant.
Genome position (GRCh38, 1-based): chr4:186,084,816-186,084,819, AGGT duplicated; duplicating any 4 consecutive bases within chr4:186,084,815-186,084,819 gives the same sequence; the c. name uses the placement nearest the transcript's 3' end. VCF-style (leftmost placement, unchanged base first): chr4-186084814-A-ATAGG. GRCh37 (hg19) VCF-style: chr4-187005968-A-ATAGG.
Other names: c.2656_2657insTAGG (NM_003265.3); short protein forms A888fs.
Identifiers: ClinVar variation 4071520 (VCV004071520.1).

ClinVar aggregate classification (germline): Uncertain significance (1 of 4 stars; one submission).

Conditions:
Immunodeficiency 83, susceptibility to viral infections. Identifiers: Orphanet 1930, MedGen C2751803, MONDO:0800187, OMIM 613002.

Submission:

Next Generation Genetic Polyclinic
Classification: Uncertain significance for Immunodeficiency 83, susceptibility to viral infections. Last evaluated: 2025-03-24. Review status: criteria provided, single submitter. Criteria: ACMG Guidelines, 2015. Collection method: curation. Allele origin: germline. Affected: yes. Observed: 1 variant allele.
Comment: Novel frameshift insertion in the TLR3 gene (c.2656_2657insTAGG), predicted to alter the C-terminal end of the protein. No frequency data available in population databases (PM2). The functional consequence is unclear, and there are no reports in ClinVar or the literature. Occurrence in heterozygous state in a gene associated with both autosomal dominant and recessive inheritance complicates interpretation. Meets ACMG criteria: PM2, PP3 (possible), but insufficient functional or clinical evidence for stronger classification. variant is VUS due to lack of segregation and functional data.